The following is an entry in ClinVar:

NM_206933.4(USH2A):c.10598A>G (p.Tyr3533Cys)

Gene: USH2A (usherin; minus strand). Cytogenetic location: 1q41.
Variant type: single nucleotide variant.
Coding change: c.10598A>G on transcript NM_206933.4 (MANE Select); coding-DNA position 10598, A replaced by G.
Protein change: p.Tyr3533Cys; replaces tyrosine 3533 with cysteine.
Molecular consequence: missense variant.
Genome position (GRCh38, 1-based): chr1:215,782,184, T>C on the plus strand (A>G on the coding strand, the complement: USH2A is on the minus strand). VCF-style: chr1-215782184-T-C. GRCh37 (hg19) VCF-style: chr1-215955526-T-C.
Other names: short protein forms Y3533C.
Identifiers: ClinVar variation 1419941 (VCV001419941.3), dbSNP rs1447073164, ClinGen allele CA344837047.

ClinVar aggregate classification (germline): Uncertain significance (1 of 4 stars; one submission).

Allele frequency attached by ClinVar (database versions not stated): gnomAD exomes below 0.00001.
gnomAD v4.1: 2 of 1,613,874 alleles (0.00012%); highest among the groups gnomAD compares: Admixed American, 0.0017%; no homozygotes.

Submission:

Labcorp Genetics (formerly Invitae), Labcorp
Classification: Uncertain significance. Last evaluated: 2022-07-14. Review status: criteria provided, single submitter. Criteria: Invitae Variant Classification Sherloc (09022015). Collection method: clinical testing. Allele origin: germline.
Comment: This sequence change replaces tyrosine, which is neutral and polar, with cysteine, which is neutral and slightly polar, at codon 3533 of the USH2A protein (p.Tyr3533Cys). This variant is not present in population databases (gnomAD no frequency). This variant has not been reported in the literature in individuals affected with USH2A-related conditions. ClinVar contains an entry for this variant (Variation ID: 1419941). Algorithms developed to predict the effect of missense changes on protein structure and function are either unavailable or do not agree on the potential impact of this missense change (SIFT: "Tolerated"; PolyPhen-2: "Possibly Damaging"; Align-GVGD: "Class C15"). In summary, the available evidence is currently insufficient to determine the role of this variant in disease. Therefore, it has been classified as a Variant of Uncertain Significance.